The following is an entry in ClinVar:

ClinVar aggregate classification (germline): Uncertain significance. Review status: criteria provided, multiple submitters, no conflicts (2 of 4 stars). 3 submissions from 3 submitters: Uncertain significance (3). Last evaluated 2025-09-05.

Conditions:
Inborn genetic diseases. Identifiers: MedGen C0950123, MeSH D030342.
Imerslund-Grasbeck syndrome. Also called: ENTEROCYTE COBALAMIN MALABSORPTION; ENTEROCYTE INTRINSIC FACTOR RECEPTOR, DEFECT OF; Imerslund-Gräsbeck syndrome; Megaloblastic anemia due to inborn errors of metabolism; PERNICIOUS ANEMIA, JUVENILE, DUE TO SELECTIVE INTESTINAL MALABSORPTION OF VITAMIN B12, WITH PROTEINURIA. Identifiers: Orphanet 35858, MedGen C4551825, MONDO:0009853.
Proteinuria, chronic benign. Identifiers: MedGen C5394384, MONDO:0030042, OMIM 618884.
Imerslund-Grasbeck syndrome type 1 (IGS1). Also called: Megaloblastic anemia 1, Finnish type; Imerslund-Gräsbeck syndrome 1; MEGALOBLASTIC ANEMIA, 1. Identifiers: MedGen C4016819, MONDO:0100156, OMIM 261100.

Allele frequency attached by ClinVar (database versions not stated): gnomAD 0.00003 and 0.00004; gnomAD exomes 0.00002; ExAC 0.00002; TOPMed 0.00004.
gnomAD v4.1: 17 of 1,613,710 alleles (0.0011%); highest among the groups gnomAD compares: African/African-American, 0.016%; no homozygotes.

Submissions (3):

Ambry Genetics
Classification: Uncertain significance for Inborn genetic diseases. Last evaluated: 2025-09-05. Review status: criteria provided, single submitter. Criteria: Ambry Variant Classification Scheme 2023. Collection method: clinical testing. Allele origin: germline.

Fulgent Genetics
Classification: Uncertain significance for Imerslund-Grasbeck syndrome type 1; Proteinuria, chronic benign. Last evaluated: 2024-05-11. Review status: criteria provided, single submitter. Criteria: ACMG Guidelines, 2015. Collection method: clinical testing. Allele origin: germline.

Labcorp Genetics (formerly Invitae), Labcorp
Classification: Uncertain significance for Imerslund-Grasbeck syndrome. Last evaluated: 2019-04-26. Review status: criteria provided, single submitter. Criteria: Invitae Variant Classification Sherloc (09022015). Collection method: clinical testing. Allele origin: germline.
Comment: This sequence change replaces glycine with arginine at codon 179 of the CUBN protein (p.Gly179Arg). The glycine residue is highly conserved and there is a moderate physicochemical difference between glycine and arginine. This variant is present in population databases (rs772400701, ExAC 0.03%). This variant has not been reported in the literature in individuals with CUBN-related conditions. Algorithms developed to predict the effect of missense changes on protein structure and function are either unavailable or do not agree on the potential impact of this missense change (SIFT: "Deleterious"; PolyPhen-2: "Probably Damaging"; Align-GVGD: "Class C15"). In summary, the available evidence is currently insufficient to determine the role of this variant in disease. Therefore, it has been classified as a Variant of Uncertain Significance.

NM_001081.4(CUBN):c.535G>A (p.Gly179Arg)

Gene: CUBN (cubilin; minus strand). Cytogenetic location: 10p13.
Variant type: single nucleotide variant.
Coding change: c.535G>A on transcript NM_001081.4 (MANE Select); coding-DNA position 535, G replaced by A.
Protein change: p.Gly179Arg; replaces glycine 179 with arginine.
Molecular consequence: missense variant.
Genome position (GRCh38, 1-based): chr10:17,122,853, C>T on the plus strand (G>A on the coding strand, the complement: CUBN is on the minus strand). VCF-style: chr10-17122853-C-T. GRCh37 (hg19) VCF-style: chr10-17164852-C-T.
Other names: short protein forms G179R.
Identifiers: ClinVar variation 949174 (VCV000949174.13), dbSNP rs772400701, ClinGen allele CA5425619.